The following is an entry in ClinVar:

ClinVar aggregate classification (germline): Uncertain significance (1 of 4 stars; one submission).

Conditions:
Paget disease of bone 2, early-onset (PDB2). Also called: Paget disease of bone 2. Identifiers: MedGen C4085251, MONDO:0011183, OMIM 602080.
Frontotemporal dementia and/or amyotrophic lateral sclerosis 1 (FTDALS1). Also called: Frontotemporal dementia with motor neuron disease 1; C9orf72 Frontotemporal Dementia and/or Amyotrophic Lateral Sclerosis. Identifiers: Orphanet 275872, MedGen C5779877, MONDO:0007105, OMIM 105550.

Submission:

Labcorp Genetics (formerly Invitae), Labcorp
Classification: Uncertain significance for Paget disease of bone 2, early-onset; Frontotemporal dementia and/or amyotrophic lateral sclerosis 1. Last evaluated: 2021-08-24. Review status: criteria provided, single submitter. Criteria: Invitae Variant Classification Sherloc (09022015). Collection method: clinical testing. Allele origin: germline.
Comment: In summary, the available evidence is currently insufficient to determine the role of this variant in disease. Therefore, it has been classified as a Variant of Uncertain Significance. Algorithms developed to predict the effect of sequence changes on RNA splicing suggest that this variant may disrupt the consensus splice site. This variant has not been reported in the literature in individuals affected with SQSTM1-related conditions. This variant is not present in population databases (ExAC no frequency). This sequence change falls in intron 1 of the SQSTM1 gene. It does not directly change the encoded amino acid sequence of the SQSTM1 protein.

NM_003900.5(SQSTM1):c.206-9A>G

Gene: SQSTM1 (sequestosome 1; plus strand). Cytogenetic location: 5q35.3.
Variant type: single nucleotide variant.
Coding change: c.206-9A>G on transcript NM_003900.5 (MANE Select); 9 bases into the intron before coding-DNA position 206, A replaced by G.
Molecular consequence: intron variant.
Genome position (GRCh38, 1-based): chr5:179,822,949, A>G. VCF-style: chr5-179822949-A-G. GRCh37 (hg19) VCF-style: chr5-179249949-A-G.
Other names: c.-47-9A>G (NM_001142298.2, NM_001142299.2).
Identifiers: ClinVar variation 1377396 (VCV001377396.6), dbSNP rs2113484953, ClinGen allele CA362442937.